The following is an entry in ClinVar:

ClinVar aggregate classification (germline): Uncertain significance (1 of 4 stars; one submission).

Submission:

Labcorp Genetics (formerly Invitae), Labcorp
Classification: Uncertain significance. Last evaluated: 2024-02-24. Review status: criteria provided, single submitter. Criteria: Invitae Variant Classification Sherloc (09022015). Collection method: clinical testing. Allele origin: germline.
Comment: This sequence change replaces threonine, which is neutral and polar, with isoleucine, which is neutral and non-polar, at codon 145 of the IL23R protein (p.Thr145Ile). This variant is not present in population databases (gnomAD no frequency). This variant has not been reported in the literature in individuals affected with IL23R-related conditions. ClinVar contains an entry for this variant (Variation ID: 1468984). An algorithm developed to predict the effect of missense changes on protein structure and function (PolyPhen-2) suggests that this variant is likely to be disruptive. In summary, the available evidence is currently insufficient to determine the role of this variant in disease. Therefore, it has been classified as a Variant of Uncertain Significance.

NM_144701.3(IL23R):c.434C>T (p.Thr145Ile)

Gene: IL23R (interleukin 23 receptor; plus strand). Cytogenetic location: 1p31.3.
Variant type: single nucleotide variant.
Coding change: c.434C>T on transcript NM_144701.3 (MANE Select); coding-DNA position 434, C replaced by T.
Protein change: p.Thr145Ile; replaces threonine 145 with isoleucine.
Molecular consequence: missense variant.
Genome position (GRCh38, 1-based): chr1:67,182,902, C>T. VCF-style: chr1-67182902-C-T. GRCh37 (hg19) VCF-style: chr1-67648585-C-T.
Other names: short protein forms T145I.
Identifiers: ClinVar variation 1468984 (VCV001468984.8), dbSNP rs1182846342, ClinGen allele CA340726395.